The following is an entry in ClinVar:

NM_014669.5(NUP93):c.559C>T (p.Arg187Trp)

Gene: NUP93 (nucleoporin 93; plus strand). Cytogenetic location: 16q13.
Variant type: single nucleotide variant.
Coding change: c.559C>T on transcript NM_014669.5 (MANE Select); coding-DNA position 559, C replaced by T.
Protein change: p.Arg187Trp; replaces arginine 187 with tryptophan.
Molecular consequence: missense variant.
Genome position (GRCh38, 1-based): chr16:56,818,733, C>T. VCF-style: chr16-56818733-C-T. GRCh37 (hg19) VCF-style: chr16-56852645-C-T.
Other names: c.190C>T, p.Arg64Trp (NM_001242795.2, NM_001242796.2); c.559C>T (NM_014669.4); short protein forms R64W, R187W.
Identifiers: ClinVar variation 2062679 (VCV002062679.4), dbSNP rs189324020, ClinGen allele CA8068129.

ClinVar aggregate classification (germline): Uncertain significance. Review status: criteria provided, multiple submitters, no conflicts (2 of 4 stars). 2 submissions from 2 submitters: Uncertain significance (2). Last evaluated 2025-09-01.

Conditions:
Inborn genetic diseases. Identifiers: MedGen C0950123, MeSH D030342.

Allele frequency attached by ClinVar (database versions not stated): gnomAD exomes 0.00004; ExAC 0.00005; TOPMed 0.00005; gnomAD 0.00006; ESP Exome Variant Server 0.00008.
gnomAD v4.1: 74 of 1,613,410 alleles (0.0046%); highest among the groups gnomAD compares: African/African-American, 0.008%; no homozygotes.

Submissions (2):

Ambry Genetics
Classification: Uncertain significance for Inborn genetic diseases. Last evaluated: 2025-09-01. Review status: criteria provided, single submitter. Criteria: Ambry Variant Classification Scheme 2023. Collection method: clinical testing. Allele origin: germline.

Labcorp Genetics (formerly Invitae), Labcorp
Classification: Uncertain significance. Last evaluated: 2022-04-25. Review status: criteria provided, single submitter. Criteria: Invitae Variant Classification Sherloc (09022015). Collection method: clinical testing. Allele origin: germline.
Comment: This sequence change replaces arginine, which is basic and polar, with tryptophan, which is neutral and slightly polar, at codon 187 of the NUP93 protein (p.Arg187Trp). This variant is present in population databases (rs189324020, gnomAD 0.01%). This variant has not been reported in the literature in individuals affected with NUP93-related conditions. Algorithms developed to predict the effect of missense changes on protein structure and function are either unavailable or do not agree on the potential impact of this missense change (SIFT: "Deleterious"; PolyPhen-2: "Probably Damaging"; Align-GVGD: "Class C15"). In summary, the available evidence is currently insufficient to determine the role of this variant in disease. Therefore, it has been classified as a Variant of Uncertain Significance.